The following is an entry in ClinVar:

ClinVar aggregate classification (germline): Conflicting classifications of pathogenicity. Review status: criteria provided, conflicting classifications (1 of 4 stars). 3 submissions from 3 submitters: Uncertain significance (2); Likely benign (1). Last evaluated 2024-06-24.

Conditions:
Hereditary cancer-predisposing syndrome. Also called: Hereditary Cancer Syndrome; Tumor predisposition; Neoplastic Syndromes, Hereditary; Hereditary neoplastic syndrome. Identifiers: Orphanet 140162, MedGen C0027672, MeSH D009386, MONDO:0015356.
Oligodontia-cancer predisposition syndrome. Also called: TOOTH AGENESIS-COLORECTAL CANCER SYNDROME. Identifiers: Orphanet 300576, MedGen C1837750, MONDO:0012075, OMIM 608615. Disease mechanism: loss of function.

gnomAD v4.1: 1 of 1,613,956 alleles (0.000062%); highest among the groups gnomAD compares: African/African-American, 0.0013%; no homozygotes.

Submissions (3):

Labcorp Genetics (formerly Invitae), Labcorp
Classification: Uncertain significance for Oligodontia-cancer predisposition syndrome. Last evaluated: 2024-06-24. Review status: criteria provided, single submitter. Criteria: Invitae Variant Classification Sherloc (09022015). Collection method: clinical testing. Allele origin: germline.
Comment: This sequence change replaces isoleucine, which is neutral and non-polar, with methionine, which is neutral and non-polar, at codon 531 of the AXIN2 protein (p.Ile531Met). This variant is not present in population databases (gnomAD no frequency). This variant has not been reported in the literature in individuals affected with AXIN2-related conditions. ClinVar contains an entry for this variant (Variation ID: 1015418). Advanced modeling of protein sequence and biophysical properties (such as structural, functional, and spatial information, amino acid conservation, physicochemical variation, residue mobility, and thermodynamic stability) performed at Invitae indicates that this missense variant is not expected to disrupt AXIN2 protein function with a negative predictive value of 80%. In summary, the available evidence is currently insufficient to determine the role of this variant in disease. Therefore, it has been classified as a Variant of Uncertain Significance.

Ambry Genetics
Classification: Likely benign for Hereditary cancer-predisposing syndrome. Last evaluated: 2024-06-10. Review status: criteria provided, single submitter. Criteria: Ambry Variant Classification Scheme 2023. Collection method: clinical testing. Allele origin: germline.

Quest Diagnostics Nichols Institute San Juan Capistrano
Classification: Uncertain significance. Last evaluated: 2022-09-29. Review status: criteria provided, single submitter. Criteria: Quest Diagnostics criteria. Collection method: clinical testing. Allele origin: unknown.
Comment: To the best of our knowledge, the variant has not been reported in the published literature. It also has not been reported in large, multi-ethnic general populations. Analysis of this variant using bioinformatics tools for the prediction of the effect of amino acid changes on protein structure and function yielded predictions that this variant is benign. Based on the available information, we are unable to determine the clinical significance of this variant.

NM_004655.4(AXIN2):c.1593C>G (p.Ile531Met)

Gene: AXIN2 (axin 2; minus strand). Cytogenetic location: 17q24.1.
Variant type: single nucleotide variant.
Coding change: c.1593C>G on transcript NM_004655.4 (MANE Select); coding-DNA position 1593, C replaced by G.
Protein change: p.Ile531Met; replaces isoleucine 531 with methionine.
Molecular consequence: missense variant.
Genome position (GRCh38, 1-based): chr17:65,537,443, G>C on the plus strand (C>G on the coding strand, the complement: AXIN2 is on the minus strand). VCF-style: chr17-65537443-G-C. GRCh37 (hg19) VCF-style: chr17-63533561-G-C.
Other names: c.1593C>G (NM_004655.3); c.1593C>G, p.Ile531Met (NM_001363813.1); short protein forms I531M.
Identifiers: ClinVar variation 1015418 (VCV001015418.10), dbSNP rs781570454, ClinGen allele CA400677192.